The following is an entry in ClinVar:

NM_018055.5(NODAL):c.*740T>C

Gene: NODAL (nodal growth differentiation factor; minus strand). Cytogenetic location: 10q22.1.
Variant type: single nucleotide variant.
Coding change: c.*740T>C on transcript NM_018055.5 (MANE Select); 740 bases downstream of the stop codon, T replaced by C.
Molecular consequence: 3 prime UTR variant.
Genome position (GRCh38, 1-based): chr10:70,432,196, A>G on the plus strand (T>C on the coding strand, the complement: NODAL is on the minus strand). VCF-style: chr10-70432196-A-G. GRCh37 (hg19) VCF-style: chr10-72191952-A-G.
Other names: c.*740T>C (NM_001329906.2).
Identifiers: ClinVar variation 300288 (VCV000300288.5), dbSNP rs2279253, ClinGen allele CA10635588.

ClinVar aggregate classification (germline): Benign. Review status: criteria provided, single submitter (1 of 4 stars). 2 submissions from 1 submitter: Benign (2). Last evaluated 2018-01-12.

Conditions:
Holoprosencephaly sequence (HPE). Also called: Holoprosencephaly. Identifiers: Orphanet 2162, MedGen C0079541, MONDO:0016296, HP:0001360.
Heterotaxy, visceral, 5, autosomal (HTX5). Also called: Heterotaxy, visceral, 5. Identifiers: Orphanet 450, MedGen C3495537, MONDO:0700112, OMIM 270100.

Allele frequency attached by ClinVar (database versions not stated): TOPMed 0.45403; gnomAD 0.45837 and 0.46278; 1000 Genomes Project 30x 0.48579; 1000 Genomes Project 0.49121; gnomAD exomes 0.49372.

Submissions (2):

Illumina Laboratory Services, Illumina
Classification: Benign for Holoprosencephaly sequence. Last evaluated: 2018-01-12. Review status: criteria provided, single submitter. Criteria: ICSL Variant Classification Criteria 13 December 2019. Collection method: clinical testing. Allele origin: germline.
Comment: This variant was observed in the ICSL laboratory as part of a predisposition screen in an ostensibly healthy population. It had not been previously curated by ICSL or reported in the Human Gene Mutation Database (HGMD: prior to June 1st, 2018), and was therefore a candidate for classification through an automated scoring system. Utilizing variant allele frequency, disease prevalence and penetrance estimates, and inheritance mode, an automated score was calculated to assess if this variant is too frequent to cause the disease. Based on the score and internal cut-off values, a variant classified as benign is not then subjected to further curation. The score for this variant resulted in a classification of benign for this disease.

Illumina Laboratory Services, Illumina
Classification: Benign for Heterotaxy, visceral, 5, autosomal. Last evaluated: 2018-01-12. Review status: criteria provided, single submitter. Criteria: ICSL Variant Classification Criteria 13 December 2019. Collection method: clinical testing. Allele origin: germline.
Comment: the same text as in the submission from Illumina Laboratory Services, Illumina above.